The following is an entry in ClinVar:

NM_001395656.1(ROBO2):c.3242C>G (p.Pro1081Arg)

Gene: ROBO2 (roundabout guidance receptor 2; plus strand). Cytogenetic location: 3p12.3.
Variant type: single nucleotide variant.
Coding change: c.3242C>G on transcript NM_001395656.1 (MANE Select); coding-DNA position 3242, C replaced by G.
Protein change: p.Pro1081Arg; replaces proline 1081 with arginine.
Molecular consequence: missense variant.
Genome position (GRCh38, 1-based): chr3:77,607,891, C>G. VCF-style: chr3-77607891-C-G. GRCh37 (hg19) VCF-style: chr3-77657042-C-G.
Other names: c.1451C>G, p.Pro484Arg (NM_001290065.2); c.3290C>G, p.Pro1097Arg (NM_001378190.1, NM_001378200.1, NM_001378201.1 and 1 more transcripts); c.3416C>G, p.Pro1139Arg (NM_001378191.1, NM_001378195.1, NM_001378196.1); c.3311C>G, p.Pro1104Arg (NM_001378192.1, NM_001378198.1, NM_001378199.1); c.3230C>G, p.Pro1077Arg (NM_001378193.1, NM_002942.5); c.3428C>G, p.Pro1143Arg (NM_001378194.1); c.3356C>G, p.Pro1119Arg (NM_001378197.1); c.3233C>G, p.Pro1078Arg (NM_001378202.1); and 5 more; short protein forms P1077R, P1093R, P1097R, P1100R, P484R, P1104R, P1119R, P1139R.
Identifiers: ClinVar variation 2065898 (VCV002065898.6), dbSNP rs199764877, ClinGen allele CA2497584.

ClinVar aggregate classification (germline): Uncertain significance. Review status: criteria provided, multiple submitters, no conflicts (2 of 4 stars). 3 submissions from 3 submitters: Uncertain significance (3). Last evaluated 2026-01-08.

Conditions:
Inborn genetic diseases. Identifiers: MedGen C0950123, MeSH D030342.
Vesicoureteral reflux 2 (VUR2). Identifiers: Orphanet 289365, MedGen C1970483, MONDO:0012573, OMIM 610878.

Allele frequency attached by ClinVar (database versions not stated): ESP Exome Variant Server 0.00008.
gnomAD v4.1: 61 of 1,613,854 alleles (0.0038%); highest among the groups gnomAD compares: Middle Eastern, 0.016%; no homozygotes.

Submissions (3):

Labcorp Genetics (formerly Invitae), Labcorp
Classification: Uncertain significance. Last evaluated: 2026-01-08. Review status: criteria provided, single submitter. Criteria: Invitae Variant Classification Sherloc (09022015). Collection method: clinical testing. Allele origin: germline.
Comment: This sequence change replaces proline, which is neutral and non-polar, with arginine, which is basic and polar, at codon 1077 of the ROBO2 protein (p.Pro1077Arg). This variant is present in population databases (rs199764877, gnomAD 0.02%). This missense change has been observed in individual(s) with clinical features of ROBO2-related disorders (PMID: 34059960, 36549658). ClinVar contains an entry for this variant (Variation ID: 2065898). Invitae Evidence Modeling of protein sequence and biophysical properties (such as structural, functional, and spatial information, amino acid conservation, physicochemical variation, residue mobility, and thermodynamic stability) indicates that this missense variant is not expected to disrupt ROBO2 protein function with a negative predictive value of 95%. In summary, the available evidence is currently insufficient to determine the role of this variant in disease. Therefore, it has been classified as a Variant of Uncertain Significance.

Fulgent Genetics
Classification: Uncertain significance for Vesicoureteral reflux 2. Last evaluated: 2024-05-21. Review status: criteria provided, single submitter. Criteria: ACMG Guidelines, 2015. Collection method: clinical testing. Allele origin: germline.

Ambry Genetics
Classification: Uncertain significance for Inborn genetic diseases. Last evaluated: 2021-07-21. Review status: criteria provided, single submitter. Criteria: Ambry Variant Classification Scheme 2023. Collection method: clinical testing. Allele origin: germline.

Literature cited by the submitters: PubMed 34059960 (cited by Labcorp Genetics (formerly Invitae), Labcorp); PubMed 36549658 (cited by Labcorp Genetics (formerly Invitae), Labcorp).